The following is an entry in ClinVar:

ClinVar aggregate classification (germline): Uncertain significance (1 of 4 stars; one submission).

Conditions:
ATP5F1D-related disorder. Also called: ATP5F1D-related condition.

Allele frequency attached by ClinVar (database versions not stated): gnomAD exomes below 0.00001; gnomAD 0.00001; TOPMed 0.00002; ExAC 0.00005.

Submission:

PreventionGenetics, part of Exact Sciences
Classification: Uncertain significance for ATP5F1D-related condition. Last evaluated: 2023-05-08. Review status: criteria provided, single submitter. Criteria: ACMG Guidelines, 2015. Collection method: clinical testing. Allele origin: germline.
Comment: The ATP5F1D c.*3G>A variant is located in the 3' untranslated region. To our knowledge, this variant has not been reported in the literature. This variant is reported in 0.0044% of alleles in individuals of South Asian descent in gnomAD. At this time, the clinical significance of this variant is uncertain due to the absence of conclusive functional and genetic evidence.

NM_001687.5(ATP5F1D):c.*3G>A

Genes: ATP5F1D (ATP synthase F1 subunit delta; plus strand), LOC130062904 (ATAC-STARR-seq lymphoblastoid silent region 9674; plus strand). Cytogenetic location: 19p13.3.
Variant type: single nucleotide variant.
Coding change: c.*3G>A on transcript NM_001687.5 (MANE Select); 3 bases downstream of the stop codon, G replaced by A.
Molecular consequence: 3 prime UTR variant.
Genome position (GRCh38, 1-based): chr19:1,244,440, G>A. VCF-style: chr19-1244440-G-A. GRCh37 (hg19) VCF-style: chr19-1244439-G-A.
Other names: c.*3G>A (NM_001001975.2).
Identifiers: ClinVar variation 2629758 (VCV002629758.1), dbSNP rs758810002, ClinGen allele CA9040359.
Genomic context (GRCh38, chr19:1,244,440, plus strand): 5'-GGCAGAGATCCAGATCCGAATCGAGGCCAACGAGGCCCTGGTGAAGGCCCTGGAGTAGGC[G>A]GTGCGTACCCGGTGTCCCGAGGCCCGGCCAGGGGCTGGGCAGGGATGCCAGGTGGGCCCA-3'